The following is an entry in ClinVar:

NM_152703.5(SAMD9L):c.493C>A (p.Pro165Thr)

Gene: SAMD9L (sterile alpha motif domain containing 9 like; minus strand). Cytogenetic location: 7q21.2.
Variant type: single nucleotide variant.
Coding change: c.493C>A on transcript NM_152703.5 (MANE Select); coding-DNA position 493, C replaced by A.
Protein change: p.Pro165Thr; replaces proline 165 with threonine.
Molecular consequence: missense variant.
Genome position (GRCh38, 1-based): chr7:93,135,479, G>T on the plus strand (C>A on the coding strand, the complement: SAMD9L is on the minus strand). VCF-style: chr7-93135479-G-T. GRCh37 (hg19) VCF-style: chr7-92764792-G-T.
Other names: c.493C>A, p.Pro165Thr (NM_001303496.3, NM_001303497.3, NM_001303498.3 and 5 more transcripts); short protein forms P165T.
Identifiers: ClinVar variation 4826191 (VCV004826191.1).
Genomic context (GRCh38, chr7:93,135,479, plus strand): 5'-GTTGTAGAGTATAATGTTCTATGTAGCGATGGCTGTCATGGAACTGATCAAAAGGATATG[G>T]CATACAAGTCAATTGTTCAGGTTTTAGCTTACCCTTTTTCTTGTGTTTAGCATTTGCTAC-3'
Protein context (NP_689916.2, residues 155-175): KLKPEQLTCM[Pro165Thr]YPFDQFHDSH

ClinVar aggregate classification (germline): Uncertain significance (1 of 4 stars; one submission).

Conditions:
Inborn genetic diseases. Identifiers: MedGen C0950123, MeSH D030342.

Submission:

Ambry Genetics
Classification: Uncertain significance for Inborn genetic diseases. Last evaluated: 2026-03-10. Review status: criteria provided, single submitter. Criteria: Ambry Variant Classification Scheme 2023. Collection method: clinical testing. Allele origin: germline.
Comment: The p.P165T variant (also known as c.493C>A), located in coding exon 1 of the SAMD9L gene, results from a C to A substitution at nucleotide position 493. The proline at codon 165 is replaced by threonine, an amino acid with highly similar properties. This amino acid position is conserved. In addition, this alteration is predicted to be tolerated by in silico analysis. Based on the available evidence, the clinical significance of this variant remains unclear.